The following is an entry in ClinVar:

NM_004974.4(KCNA2):c.1047A>G (p.Ala349=)

Gene: KCNA2 (potassium voltage-gated channel subfamily A member 2; minus strand). Cytogenetic location: 1p13.3.
Variant type: single nucleotide variant.
Coding change: c.1047A>G on transcript NM_004974.4 (MANE Select); coding-DNA position 1047, A replaced by G.
Protein change: p.Ala349=; no amino-acid change (alanine 349 retained).
Molecular consequence: synonymous variant. On other transcripts: intron variant (1).
Genome position (GRCh38, 1-based): chr1:110,603,736, T>C on the plus strand (A>G on the coding strand, the complement: KCNA2 is on the minus strand). VCF-style: chr1-110603736-T-C. GRCh37 (hg19) VCF-style: chr1-111146358-T-C.
Other names: p.Ala349=; c.894+153A>G (NM_001204269.2).
Identifiers: ClinVar variation 424910 (VCV000424910.60), dbSNP rs371979518, ClinGen allele CA1000665.

ClinVar aggregate classification (germline): Benign/Likely benign. Review status: criteria provided, multiple submitters, no conflicts (2 of 4 stars). 7 submissions from 7 submitters: Benign (1); Likely benign (5). 1 of the submissions does not count toward it. Last evaluated 2026-09-01.

Conditions:
Developmental and epileptic encephalopathy, 32 (DEE32). Also called: Epileptic encephalopathy, early infantile, 32. Identifiers: Orphanet 442835, MedGen C4225350, MONDO:0014607, OMIM 616366.
KCNA2-related disorder. Also called: KCNA2-related condition.
Inborn genetic diseases. Identifiers: MedGen C0950123, MeSH D030342.

Allele frequency attached by ClinVar (database versions not stated): ESP Exome Variant Server 0.00008; TOPMed 0.00015; gnomAD 0.00024 and 0.00026; gnomAD exomes 0.00026 and 0.00033; ExAC 0.00040.
gnomAD v4.1: 517 of 1,613,946 alleles (0.032%); highest among the groups gnomAD compares: Non-Finnish European, 0.041%; no homozygotes.

Submissions (7):

CeGaT Center for Human Genetics Tuebingen
Classification: Likely benign. Last evaluated: 2026-09-01. Review status: criteria provided, single submitter. Criteria: CeGaT Center For Human Genetics Tuebingen Variant Classification Criteria Version 2. Collection method: clinical testing. Allele origin: germline. Affected: yes. Observed: 2 variant alleles.
Comment: KCNA2: BP4, BP7

Labcorp Genetics (formerly Invitae), Labcorp
Classification: Likely benign for Developmental and epileptic encephalopathy, 32. Last evaluated: 2025-12-26. Review status: criteria provided, single submitter. Criteria: Invitae Variant Classification Sherloc (09022015). Collection method: clinical testing. Allele origin: germline.

Mayo Clinic Laboratories, Mayo Clinic
Classification: Likely benign. Last evaluated: 2025-06-26. Review status: criteria provided, single submitter. Criteria: ACMG Guidelines, 2015. Collection method: clinical testing. Allele origin: germline. Observed: 2 variant alleles.
Comment: BS2, BP4, BP7

Blueprint Genetics
Classification: Likely benign. Last evaluated: 2024-09-10. Review status: criteria provided, single submitter. Criteria: ACMG Guidelines, 2015. Collection method: clinical testing. Allele origin: germline.

GeneDx
Classification: Benign. Last evaluated: 2020-04-16. Review status: criteria provided, single submitter. Criteria: GeneDx Variant Classification Process June 2021. Collection method: clinical testing. Allele origin: germline. Affected: yes.

Ambry Genetics
Classification: Likely benign for Inborn genetic diseases. Last evaluated: 2017-06-07. Review status: criteria provided, single submitter. Criteria: Ambry Variant Classification Scheme 2023. Collection method: clinical testing. Allele origin: germline.

PreventionGenetics, part of Exact Sciences
Classification: Likely benign for KCNA2-related condition. Last evaluated: 2023-12-21. Review status: no assertion criteria provided. Collection method: clinical testing. Allele origin: germline. Not counted in ClinVar's aggregate classification.
Comment: This variant is classified as likely benign based on ACMG/AMP sequence variant interpretation guidelines (Richards et al. 2015 PMID: 25741868, with internal and published modifications).